The following is an entry in ClinVar:

ClinVar aggregate classification (germline): Conflicting classifications of pathogenicity. Review status: criteria provided, conflicting classifications (1 of 4 stars). 7 submissions from 7 submitters: Uncertain significance (3); Likely benign (3). 1 of the submissions does not count toward it. Last evaluated 2026-03-19.

Conditions:
TTN-related disorder. Also called: TTN-related condition; TTN-related disease; TTN-related disorders.
Cardiomyopathy (CMYO). Also called: Cardiomyopathies. Identifiers: Orphanet 167848, MedGen C0878544, MONDO:0004994, HP:0001638. Inheritance: Various modes of inheritance.

Allele frequency attached by ClinVar (database versions not stated): TOPMed 0.00001; gnomAD 0.00003 and 0.00004; ExAC 0.00004; gnomAD exomes 0.00005; 1000 Genomes Project 30x 0.00016; 1000 Genomes Project 0.00020.
gnomAD v4.1: 58 of 1,613,508 alleles (0.0036%); highest among the groups gnomAD compares: South Asian, 0.023%; no homozygotes.

Submissions (7):

PreventionGenetics, part of Exact Sciences
Classification: Uncertain significance for TTN-related condition. Last evaluated: 2026-03-19. Review status: criteria provided, single submitter. Criteria: ACMG Guidelines, 2015. Collection method: clinical testing. Allele origin: germline.
Comment: The TTN c.62030T>C variant is predicted to result in the amino acid substitution p.Ile20677Thr. This variant has been reported in an individual with congenital myopathy who also had another loss of function TTN variant (c.36400A>T, p.Lys12134*) (Cardone et al. 2023. PubMed ID: 36945066). This variant is reported in 0.033% of alleles in individuals of South Asian descent in gnomAD and has conflicting interpretations regarding its pathogenicity in ClinVar, ranging from likely benign to uncertain (Variation ID: 179416). At this time, the clinical significance of this variant is uncertain due to the absence of conclusive functional and genetic evidence.

Revvity Omics, Revvity
Classification: Uncertain significance. Last evaluated: 2024-12-03. Review status: criteria provided, single submitter. Criteria: ACMG Guidelines, 2015. Collection method: clinical testing. Allele origin: germline.

Mayo Clinic Laboratories, Mayo Clinic
Classification: Likely benign. Last evaluated: 2024-09-06. Review status: criteria provided, single submitter. Criteria: ACMG Guidelines, 2015. Collection method: clinical testing. Allele origin: germline. Observed: 1 variant allele.
Comment: BP1, BP5

CHEO Genetics Diagnostic Laboratory, Children's Hospital of Eastern Ontario
Classification: Likely benign for Cardiomyopathy. Last evaluated: 2021-09-01. Review status: criteria provided, single submitter. Criteria: ACMG Guidelines, 2015. Collection method: clinical testing. Allele origin: germline.

Laboratory for Molecular Medicine, Mass General Brigham Personalized Medicine
Classification: Likely benign. Last evaluated: 2020-09-22. Review status: criteria provided, single submitter. Criteria: LMM Criteria. Collection method: clinical testing. Allele origin: germline. Observed: 2 variant alleles.
Comment: The p.Ile18109Thr variant in TTN is classified as likely benign because it has been identified in 0.03% (10/30594) of South Asian chromosomes by gnomAD. Computational prediction tools and conservation analysis do not provide strong support for or against an impact to the protein. ACMG/AMP Criteria applied: BS1.

Eurofins Ntd Llc (ga)
Classification: Uncertain significance. Last evaluated: 2016-01-05. Review status: criteria provided, single submitter. Criteria: EGL Classification Definitions 2015. Collection method: clinical testing. Allele origin: germline. Observed: 2 variant alleles, 2 heterozygotes.

GeneDx
No classification provided. Last evaluated: 2014-04-08. Review status: no classification provided. Criteria: GeneDx Variant Classification (06012015). Collection method: clinical testing. Allele origin: germline. Affected: yes. Not counted in ClinVar's aggregate classification.
Comment: Missense variants in the TTN gene are considered 'unclassified' if they are not previously reported in the literature and do not have >1% frequency in the population to be considered a polymorphism. Research indicates that truncating mutations in the TTN gene are expected to account for approximately 25% of familial and 18% of sporadic idiopathic DCM; however, truncating variants in the TTN gene have been reported in approximately 3% of reported control alleles. There has been little investigation into non-truncating variants. (Herman D et al. Truncations of titin causing dilated cardiomyopathy. N Eng J Med 366:619-628, 2012) The variant is found in DCM-CRDM panel(s).

Literature cited by the submitters: PubMed 36945066 (cited by Mayo Clinic Laboratories, Mayo Clinic).

NM_001267550.2(TTN):c.62030T>C (p.Ile20677Thr)

Genes: TTN (titin; minus strand), TTN-AS1 (TTN antisense RNA 1; plus strand). Cytogenetic location: 2q31.2.
Variant type: single nucleotide variant.
Coding change: c.62030T>C on transcript NM_001267550.2 (MANE Select); coding-DNA position 62030, T replaced by C.
Protein change: p.Ile20677Thr; replaces isoleucine 20677 with threonine.
Molecular consequence: missense variant.
Genome position (GRCh38, 1-based): chr2:178,589,695, A>G on the plus strand (T>C on the coding strand, the complement: TTN is on the minus strand). VCF-style: chr2-178589695-A-G. GRCh37 (hg19) VCF-style: chr2-179454422-A-G.
Other names: p.I19036T:ATT>ACT; p.Ile19036Thr; c.57107T>C, p.Ile19036Thr (NM_001256850.1); c.54326T>C, p.Ile18109Thr (NM_133378.4); c.34835T>C, p.Ile11612Thr (NM_003319.4); c.35210T>C, p.Ile11737Thr (NM_133432.3); c.35411T>C, p.Ile11804Thr (NM_133437.4); short protein forms I18109T, I20677T, I19036T, I11612T, I11737T, I11804T.
Identifiers: ClinVar variation 179416 (VCV000179416.16), dbSNP rs558670891, ClinGen allele CA184382.